The following is an entry in ClinVar:

ClinVar aggregate classification (germline): Uncertain significance. Review status: criteria provided, multiple submitters, no conflicts (2 of 4 stars). 2 submissions from 2 submitters: Uncertain significance (2). Last evaluated 2024-11-19.

Conditions:
Cardiovascular phenotype. Identifiers: MedGen CN230736.

Allele frequency attached by ClinVar (database versions not stated): gnomAD exomes below 0.00001.
gnomAD v4.1: 1 of 1,209,337 alleles (0.000083%); highest among the groups gnomAD compares: Admixed American, 0.0022%; no homozygotes.

Submissions (2):

Labcorp Genetics (formerly Invitae), Labcorp
Classification: Uncertain significance. Last evaluated: 2024-11-19. Review status: criteria provided, single submitter. Criteria: Invitae Variant Classification Sherloc (09022015). Collection method: clinical testing. Allele origin: germline.
Comment: This sequence change replaces serine, which is neutral and polar, with phenylalanine, which is neutral and non-polar, at codon 89 of the BGN protein (p.Ser89Phe). This variant is not present in population databases (gnomAD no frequency). This variant has not been reported in the literature in individuals affected with BGN-related conditions. ClinVar contains an entry for this variant (Variation ID: 2298749). Invitae Evidence Modeling of protein sequence and biophysical properties (such as structural, functional, and spatial information, amino acid conservation, physicochemical variation, residue mobility, and thermodynamic stability) indicates that this missense variant is not expected to disrupt BGN protein function with a negative predictive value of 80%. In summary, the available evidence is currently insufficient to determine the role of this variant in disease. Therefore, it has been classified as a Variant of Uncertain Significance.

Ambry Genetics
Classification: Uncertain significance for Cardiovascular phenotype. Last evaluated: 2022-06-29. Review status: criteria provided, single submitter. Criteria: Ambry Variant Classification Scheme 2023. Collection method: clinical testing. Allele origin: germline.

NM_001711.6(BGN):c.266C>T (p.Ser89Phe)

Gene: BGN (biglycan; plus strand). Cytogenetic location: Xq28.
Variant type: single nucleotide variant.
Coding change: c.266C>T on transcript NM_001711.6 (MANE Select); coding-DNA position 266, C replaced by T.
Protein change: p.Ser89Phe; replaces serine 89 with phenylalanine.
Molecular consequence: missense variant.
Genome position (GRCh38, 1-based): chrX:153,505,265, C>T. VCF-style: chrX-153505265-C-T. GRCh37 (hg19) VCF-style: chrX-152770723-C-T.
Other names: short protein forms S89F.
Identifiers: ClinVar variation 2298749 (VCV002298749.5), dbSNP rs2521208257, ClinGen allele CA415068753.
Genomic context (GRCh38, chrX:153,505,265, plus strand): 5'-AGTTCATGCTGGTGATGGGGGTGGGGCCCCTAGGTCTGAAGTCTGTGCCCAAAGAGATCT[C>T]CCCTGACACCACGCTGCTGGACCTGCAGAACAACGACATCTCCGAGCTCCGCAAGGATGA-3'
Protein context (NP_001702.1, residues 79-99): LGLKSVPKEI[Ser89Phe]PDTTLLDLQN